The following is an entry in ClinVar:

ClinVar aggregate classification (germline): Uncertain significance (1 of 4 stars; one submission).

Conditions:
Hereditary pancreatitis (PCTT). Also called: Hereditary chronic pancreatitis; PRSS1-Related Hereditary Pancreatitis. Identifiers: Orphanet 676, MedGen C0238339, MONDO:0008185, OMIM 167800.

Allele frequency attached by ClinVar (database versions not stated): gnomAD exomes below 0.00001; TOPMed 0.00001.
gnomAD v4.1: 2 of 1,612,852 alleles (0.00012%); highest among the groups gnomAD compares: Admixed American, 0.0033%; no homozygotes.

Submission:

Ambry Genetics
Classification: Uncertain significance for Hereditary pancreatitis. Last evaluated: 2024-11-19. Review status: criteria provided, single submitter. Criteria: Ambry Variant Classification Scheme 2023. Collection method: clinical testing. Allele origin: germline.
Comment: The c.66-3C>T intronic variant results from a C to T substitution 3 nucleotides upstream from coding exon 2 in the CPA1 gene. This nucleotide position is well conserved in available vertebrate species. In silico splice site analysis predicts that this alteration will not have any significant effect on splicing. Based on the available evidence, the clinical significance of this variant remains unclear.

NM_001868.4(CPA1):c.66-3C>T

Gene: CPA1 (carboxypeptidase A1; plus strand). Cytogenetic location: 7q32.2.
Variant type: single nucleotide variant.
Coding change: c.66-3C>T on transcript NM_001868.4 (MANE Select); 3 bases into the intron before coding-DNA position 66, C replaced by T.
Molecular consequence: intron variant.
Genome position (GRCh38, 1-based): chr7:130,381,095, C>T. VCF-style: chr7-130381095-C-T. GRCh37 (hg19) VCF-style: chr7-130020936-C-T.
Identifiers: ClinVar variation 1754623 (VCV001754623.3), dbSNP rs1554411100, ClinGen allele CA577769069.